The following is an entry in ClinVar:

ClinVar aggregate classification (germline): Uncertain significance (1 of 4 stars; one submission).

Submission:

GeneDx
Classification: Uncertain significance. Last evaluated: 2026-09-24. Review status: criteria provided, single submitter. Criteria: GeneDx Variant Classification Process June 2021. Collection method: clinical testing. Allele origin: germline.
Comment: Not observed at significant frequency in large population cohorts (gnomAD); In silico analysis supports that this missense variant has a deleterious effect on protein structure/function; Has not been previously published as pathogenic or benign to our knowledge

NM_000130.5(F5):c.2345A>C (p.Asn782Thr)

Gene: F5 (coagulation factor V; minus strand). Cytogenetic location: 1q24.2.
Variant type: single nucleotide variant.
Coding change: c.2345A>C on transcript NM_000130.5 (MANE Select); coding-DNA position 2345, A replaced by C.
Protein change: p.Asn782Thr; replaces asparagine 782 with threonine.
Molecular consequence: missense variant.
Genome position (GRCh38, 1-based): chr1:169,542,745, T>G on the plus strand (A>C on the coding strand, the complement: F5 is on the minus strand). VCF-style: chr1-169542745-T-G. GRCh37 (hg19) VCF-style: chr1-169511983-T-G.
Other names: short protein forms N782T.
Identifiers: ClinVar variation 1313877 (VCV001313877.3), dbSNP rs2101820164, ClinGen allele CA343121322.